The following is an entry in ClinVar:

ClinVar aggregate classification (germline): Conflicting classifications of pathogenicity. Review status: criteria provided, conflicting classifications (1 of 4 stars). 3 submissions from 3 submitters: Uncertain significance (2); Likely benign (1). Last evaluated 2025-03-17.

Conditions:
Hereditary nonpolyposis colorectal neoplasms. Identifiers: MedGen C0009405, MeSH D003123.
Hereditary cancer-predisposing syndrome. Also called: Hereditary Cancer Syndrome; Hereditary neoplastic syndrome; Neoplastic Syndromes, Hereditary; Tumor predisposition. Identifiers: Orphanet 140162, MedGen C0027672, MeSH D009386, MONDO:0015356.

Submissions (3):

Color Diagnostics, LLC DBA Color Health
Classification: Uncertain significance for Hereditary cancer-predisposing syndrome. Last evaluated: 2025-03-17. Review status: criteria provided, single submitter. Criteria: ACMG Guidelines, 2015. Collection method: clinical testing. Allele origin: germline.
Comment: This missense variant replaces serine with threonine at codon 477 of the PMS2 protein. Computational prediction suggests that this variant may not impact protein structure and function (internally defined REVEL score threshold <= 0.5, PMID: 27666373). To our knowledge, functional studies have not been reported for this variant. This variant has not been reported in individuals affected with PMS2-related disorders in the literature. This variant has not been identified in the general population by the Genome Aggregation Database (gnomAD). The available evidence is insufficient to determine the role of this variant in disease conclusively. Therefore, this variant is classified as a Variant of Uncertain Significance.

Ambry Genetics
Classification: Likely benign for Hereditary cancer-predisposing syndrome. Last evaluated: 2024-09-06. Review status: criteria provided, single submitter. Criteria: Ambry Variant Classification Scheme 2023. Collection method: clinical testing. Allele origin: germline.

Labcorp Genetics (formerly Invitae), Labcorp
Classification: Uncertain significance for Hereditary nonpolyposis colorectal neoplasms. Last evaluated: 2023-06-05. Review status: criteria provided, single submitter. Criteria: Invitae Variant Classification Sherloc (09022015). Collection method: clinical testing. Allele origin: germline.
Comment: Advanced modeling of protein sequence and biophysical properties (such as structural, functional, and spatial information, amino acid conservation, physicochemical variation, residue mobility, and thermodynamic stability) performed at Invitae indicates that this missense variant is not expected to disrupt PMS2 protein function. ClinVar contains an entry for this variant (Variation ID: 455653). This variant has not been reported in the literature in individuals affected with PMS2-related conditions. This variant is not present in population databases (gnomAD no frequency). This sequence change replaces serine, which is neutral and polar, with threonine, which is neutral and polar, at codon 477 of the PMS2 protein (p.Ser477Thr). In summary, the available evidence is currently insufficient to determine the role of this variant in disease. Therefore, it has been classified as a Variant of Uncertain Significance.

NM_000535.7(PMS2):c.1429T>A (p.Ser477Thr)

Gene: PMS2 (PMS1 homolog 2, mismatch repair system component; minus strand). Cytogenetic location: 7p22.1.
Variant type: single nucleotide variant.
Coding change: c.1429T>A on transcript NM_000535.7 (MANE Select); coding-DNA position 1429, T replaced by A.
Protein change: p.Ser477Thr; replaces serine 477 with threonine.
Molecular consequence: missense variant. On other transcripts: non-coding transcript variant (1).
Genome position (GRCh38, 1-based): chr7:5,987,336, A>T on the plus strand (T>A on the coding strand, the complement: PMS2 is on the minus strand). VCF-style: chr7-5987336-A-T. GRCh37 (hg19) VCF-style: chr7-6026967-A-T.
Other names: c.1024T>A, p.Ser342Thr (NM_001322003.2, NM_001322004.2, NM_001322005.2 and 1 more transcripts); c.1273T>A, p.Ser425Thr (NM_001322006.2); c.1111T>A, p.Ser371Thr (NM_001322007.2, NM_001322008.2); c.868T>A, p.Ser290Thr (NM_001322010.2); c.496T>A, p.Ser166Thr (NM_001322011.2, NM_001322012.2); c.856T>A, p.Ser286Thr (NM_001322013.2); c.1429T>A, p.Ser477Thr (NM_001322014.2); c.1120T>A, p.Ser374Thr (NM_001322015.2); short protein forms S477T, S166T, S290T, S374T, S286T, S371T, S342T, S425T.
Identifiers: ClinVar variation 455653 (VCV000455653.15), dbSNP rs1554297760, ClinGen allele CA366742017.